The following is an entry in ClinVar:

NM_002755.4(MAP2K1):c.882G>T (p.Gly294=)

Gene: MAP2K1 (mitogen-activated protein kinase kinase 1; plus strand). Cytogenetic location: 15q22.31.
Variant type: single nucleotide variant.
Coding change: c.882G>T on transcript NM_002755.4 (MANE Select); coding-DNA position 882, G replaced by T.
Protein change: p.Gly294=; no amino-acid change (glycine 294 retained).
Molecular consequence: synonymous variant.
Genome position (GRCh38, 1-based): chr15:66,485,178, G>T. VCF-style: chr15-66485178-G-T. GRCh37 (hg19) VCF-style: chr15-66777516-G-T.
Other names: c.738G>T, p.Gly246= (NM_001411065.1).
Identifiers: ClinVar variation 4751694 (VCV004751694.1).

ClinVar aggregate classification (germline): Uncertain significance (1 of 4 stars; one submission).

Conditions:
RASopathy. Also called: Noonan spectrum disorder; rasopathies. Identifiers: Orphanet 536391, MedGen C5555857, MONDO:0021060.

gnomAD v4.1: 3 of 1,613,848 alleles (0.00019%); highest among the groups gnomAD compares: Non-Finnish European, 0.00025%; no homozygotes.

Submission:

Labcorp Genetics (formerly Invitae), Labcorp
Classification: Uncertain significance for RASopathy. Last evaluated: 2025-02-06. Review status: criteria provided, single submitter. Criteria: Invitae Variant Classification Sherloc (09022015). Collection method: clinical testing. Allele origin: germline.
Comment: This sequence change affects codon 294 of the MAP2K1 mRNA. It is a 'silent' change, meaning that it does not change the encoded amino acid sequence of the MAP2K1 protein. This variant is present in population databases (rs762411863, gnomAD 0.003%). This variant has not been reported in the literature in individuals affected with MAP2K1-related conditions. Algorithms developed to predict the effect of sequence changes on RNA splicing suggest that this variant may disrupt the consensus splice site. In summary, the available evidence is currently insufficient to determine the role of this variant in disease. Therefore, it has been classified as a Variant of Uncertain Significance.